The following is an entry in ClinVar:

NM_017950.4(CCDC40):c.666G>A (p.Ser222=)

Gene: CCDC40 (coiled-coil domain 40 molecular ruler complex subunit; plus strand). Cytogenetic location: 17q25.3.
Variant type: single nucleotide variant.
Coding change: c.666G>A on transcript NM_017950.4 (MANE Select); coding-DNA position 666, G replaced by A.
Protein change: p.Ser222=; no amino-acid change (serine 222 retained).
Molecular consequence: synonymous variant.
Genome position (GRCh38, 1-based): chr17:80,047,392, G>A. VCF-style: chr17-80047392-G-A. GRCh37 (hg19) VCF-style: chr17-78021191-G-A.
Other names: c.666G>A, p.Ser222= (NM_001243342.2, NM_001330508.2).
Identifiers: ClinVar variation 700220 (VCV000700220.8), dbSNP rs199671771, ClinGen allele CA8813517.

ClinVar aggregate classification (germline): Likely benign. Review status: criteria provided, single submitter (1 of 4 stars). 2 submissions from 2 submitters: Likely benign (1). 1 of the submissions does not count toward it. Last evaluated 2025-06-15.

Conditions:
Primary ciliary dyskinesia. Also called: Ciliary dyskinesia. Identifiers: Orphanet 244, MedGen C0008780, MONDO:0016575, HP:0012265.
CCDC40-related disorder. Also called: CCDC40-related condition.

Allele frequency attached by ClinVar (database versions not stated): 1000 Genomes Project 30x 0.00062; gnomAD exomes 0.00001; ExAC 0.00003; TOPMed 0.00006; gnomAD 0.00010; 1000 Genomes Project 0.00040.
gnomAD v4.1: 35 of 1,612,136 alleles (0.0022%); highest among the groups gnomAD compares: African/African-American, 0.035%; no homozygotes.

Submissions (2):

Labcorp Genetics (formerly Invitae), Labcorp
Classification: Likely benign for Primary ciliary dyskinesia. Last evaluated: 2025-06-15. Review status: criteria provided, single submitter. Criteria: Invitae Variant Classification Sherloc (09022015). Collection method: clinical testing. Allele origin: germline.

PreventionGenetics, part of Exact Sciences
Classification: Likely benign for CCDC40-related condition. Last evaluated: 2021-11-18. Review status: no assertion criteria provided. Collection method: clinical testing. Allele origin: germline. Not counted in ClinVar's aggregate classification.
Comment: This variant is classified as likely benign based on ACMG/AMP sequence variant interpretation guidelines (Richards et al. 2015 PMID: 25741868, with internal and published modifications).